The following is an entry in ClinVar:

NM_173628.4(DNAH17):c.11166_11167del (p.Phe3723fs)

Gene: DNAH17 (dynein axonemal heavy chain 17; minus strand). Cytogenetic location: 17q25.3.
Variant type: Microsatellite.
Coding change: c.11166_11167del on transcript NM_173628.4 (MANE Select); coding-DNA positions 11166 to 11167, 2 bases deleted (CT; older notation c.11166_11167delCT).
Protein change: p.Phe3723fs; shifts the reading frame from phenylalanine 3723.
Molecular consequence: frameshift variant.
Genome position (GRCh38, 1-based): chr17:78,449,458-78,449,459, AG deleted on the plus strand (CT on the coding strand, the reverse complement: DNAH17 is on the minus strand); deleting any 2 consecutive bases within chr17:78,449,458-78,449,461 gives the same sequence; the c. name uses the placement nearest the transcript's 3' end. VCF-style (leftmost placement, unchanged base first): chr17-78449457-AAG-A. GRCh37 (hg19) VCF-style: chr17-76445539-AAG-A.
Other names: short protein forms F3723fs.
Identifiers: ClinVar variation 5019968 (VCV005019968.2).

ClinVar aggregate classification (germline): Uncertain significance (1 of 4 stars; one submission).

Conditions:
Spermatogenic failure 39. Identifiers: MedGen C5231438, MONDO:0032845, OMIM 618643.

Submission:

Juno Genomics, Hangzhou Juno Genomics, Inc
Classification: Uncertain significance for Spermatogenic failure 39. Review status: criteria provided, single submitter. Criteria: ACMG Guidelines, 2015. Collection method: clinical testing. Allele origin: germline.
Comment: Absent from controls (or at extremely low frequency if recessive) in Genome Aggregation Database.;Null variant in a gene where loss of function (LOF) is a known mechanism of disease.